The following is an entry in ClinVar:

ClinVar aggregate classification (germline): Uncertain significance. Review status: criteria provided, multiple submitters, no conflicts (2 of 4 stars). 2 submissions from 2 submitters: Uncertain significance (2). Last evaluated 2023-05-11.

Conditions:
Cryopyrin associated periodic syndrome (CAPS). Identifiers: Orphanet 208650, MedGen C2316212, MONDO:0016168.
NLRP3-related disorder. Also called: NLRP3-related condition; NLRP3-Related Disorders.

Submissions (2):

PreventionGenetics, part of Exact Sciences
Classification: Uncertain significance for NLRP3-related condition. Last evaluated: 2023-05-11. Review status: criteria provided, single submitter. Criteria: ACMG Guidelines, 2015. Collection method: clinical testing. Allele origin: germline.
Comment: The NLRP3 c.529C>T variant is predicted to result in the amino acid substitution p.His177Tyr. To our knowledge, this variant has not been reported in the literature or in a large population database, indicating this variant is rare. At this time, the clinical significance of this variant is uncertain due to the absence of conclusive functional and genetic evidence.

Labcorp Genetics (formerly Invitae), Labcorp
Classification: Uncertain significance for Cryopyrin associated periodic syndrome. Last evaluated: 2021-02-14. Review status: criteria provided, single submitter. Criteria: Invitae Variant Classification Sherloc (09022015). Collection method: clinical testing. Allele origin: germline.
Comment: In summary, the available evidence is currently insufficient to determine the role of this variant in disease. Therefore, it has been classified as a Variant of Uncertain Significance. Algorithms developed to predict the effect of missense changes on protein structure and function (SIFT, PolyPhen-2, Align-GVGD) all suggest that this variant is likely to be tolerated, but these predictions have not been confirmed by published functional studies and their clinical significance is uncertain. This variant has not been reported in the literature in individuals with NLRP3-related conditions. This variant is not present in population databases (ExAC no frequency). This sequence change replaces histidine with tyrosine at codon 177 of the NLRP3 protein (p.His177Tyr). The histidine residue is moderately conserved and there is a moderate physicochemical difference between histidine and tyrosine.

NM_001243133.2(NLRP3):c.523C>T (p.His175Tyr)

Gene: NLRP3 (NLR family pyrin domain containing 3; plus strand). Cytogenetic location: 1q44.
Variant type: single nucleotide variant.
Coding change: c.523C>T on transcript NM_001243133.2 (MANE Select); coding-DNA position 523, C replaced by T.
Protein change: p.His175Tyr; replaces histidine 175 with tyrosine.
Molecular consequence: missense variant.
Genome position (GRCh38, 1-based): chr1:247,423,972, C>T. VCF-style: chr1-247423972-C-T. GRCh37 (hg19) VCF-style: chr1-247587274-C-T.
Other names: c.529C>T (NM_004895.4); c.523C>T, p.His175Tyr (NM_001079821.3, NM_001127461.3, NM_001127462.3 and 1 more transcripts); c.529C>T, p.His177Tyr (NM_004895.5); short protein forms H177Y, H175Y.
Identifiers: ClinVar variation 1357902 (VCV001357902.8), dbSNP rs1662663283, ClinGen allele CA345554850.